The following is an entry in ClinVar:

ClinVar aggregate classification (germline): Uncertain significance. Review status: criteria provided, multiple submitters, no conflicts (2 of 4 stars). 2 submissions from 2 submitters: Uncertain significance (2). Last evaluated 2024-03-21.

Conditions:
Inborn genetic diseases. Identifiers: MedGen C0950123, MeSH D030342.
Hereditary sensory and autonomic neuropathy type 7. Also called: HSAN VII; Neuropathy, hereditary sensory and autonomic, type VII. Identifiers: Orphanet 391397, MedGen C3809882, MONDO:0014244, OMIM 615548.
Familial episodic pain syndrome with predominantly lower limb involvement. Also called: Episodic pain syndrome, familial, 3. Identifiers: Orphanet 391384, Orphanet 391392, MedGen C3809899, MONDO:0014247, OMIM 615552.

Allele frequency attached by ClinVar (database versions not stated): gnomAD 0.00001; TOPMed 0.00001; ESP Exome Variant Server 0.00008.
gnomAD v4.1: 5 of 1,613,952 alleles (0.00031%); highest among the groups gnomAD compares: African/African-American, 0.0053%; no homozygotes.

Submissions (2):

Labcorp Genetics (formerly Invitae), Labcorp
Classification: Uncertain significance for Familial episodic pain syndrome with predominantly lower limb involvement; Hereditary sensory and autonomic neuropathy type 7. Last evaluated: 2024-03-21. Review status: criteria provided, single submitter. Criteria: Invitae Variant Classification Sherloc (09022015). Collection method: clinical testing. Allele origin: germline.
Comment: This sequence change replaces valine, which is neutral and non-polar, with isoleucine, which is neutral and non-polar, at codon 648 of the SCN11A protein (p.Val648Ile). This variant is present in population databases (rs377765909, gnomAD 0.007%). This variant has not been reported in the literature in individuals affected with SCN11A-related conditions. ClinVar contains an entry for this variant (Variation ID: 1520868). Advanced modeling of protein sequence and biophysical properties (such as structural, functional, and spatial information, amino acid conservation, physicochemical variation, residue mobility, and thermodynamic stability) performed at Invitae indicates that this missense variant is not expected to disrupt SCN11A protein function with a negative predictive value of 80%. In summary, the available evidence is currently insufficient to determine the role of this variant in disease. Therefore, it has been classified as a Variant of Uncertain Significance.

Ambry Genetics
Classification: Uncertain significance for Inborn genetic diseases. Last evaluated: 2019-09-29. Review status: criteria provided, single submitter. Criteria: Ambry Variant Classification Scheme 2023. Collection method: clinical testing. Allele origin: germline.
Comment: The p.V648I variant (also known as c.1942G>A), located in coding exon 13 of the SCN11A gene, results from a G to A substitution at nucleotide position 1942. The valine at codon 648 is replaced by isoleucine, an amino acid with highly similar properties. This amino acid position is not well conserved in available vertebrate species, and isoleucine is the reference amino acid in other vertebrate species. In addition, the in silico prediction for this alteration is inconclusive. Since supporting evidence is limited at this time, the clinical significance of this alteration remains unclear.

NM_001349253.2(SCN11A):c.1942G>A (p.Val648Ile)

Gene: SCN11A (sodium voltage-gated channel alpha subunit 11; minus strand). Cytogenetic location: 3p22.2.
Variant type: single nucleotide variant.
Coding change: c.1942G>A on transcript NM_001349253.2 (MANE Select); coding-DNA position 1942, G replaced by A.
Protein change: p.Val648Ile; replaces valine 648 with isoleucine.
Molecular consequence: missense variant.
Genome position (GRCh38, 1-based): chr3:38,899,974, C>T on the plus strand (G>A on the coding strand, the complement: SCN11A is on the minus strand). VCF-style: chr3-38899974-C-T. GRCh37 (hg19) VCF-style: chr3-38941465-C-T.
Other names: c.1942G>A, p.Val648Ile (NM_014139.3); short protein forms V648I.
Identifiers: ClinVar variation 1520868 (VCV001520868.8), dbSNP rs377765909, ClinGen allele CA2322163.